The following is an entry in ClinVar:

ClinVar aggregate classification (germline): Likely pathogenic (1 of 4 stars; one submission).

Submission:

Genetic Services Laboratory, University of Chicago
Classification: Likely pathogenic. Last evaluated: 2021-04-21. Review status: criteria provided, single submitter. Criteria: ACMG Guidelines, 2015. Collection method: clinical testing. Allele origin: germline. Affected: yes.
Comment: DNA sequence analysis of the HEPACAM gene demonstrated a sequence change, c.285T>G, in exon 2 that results in a premature stop codon at amino acid position 95, p.Tyr95*. This sequence change is predicted to result in an abnormal transcript, which may be degraded, or may lead to the production of a truncated HEPACAM protein with potentially abnormal function. Other truncating variants in the HEPACAM gene, downstream to this position, have been described in HEPACAM-related disorder (PMID: 21419380). This sequence change is absent in the gnomAD population database. Collectively these evidence suggests the p.Tyr95* change is likely pathogenic, however functional studies have not been performed to prove this conclusively.

NM_152722.5(HEPACAM):c.285T>G (p.Tyr95Ter)

Gene: HEPACAM (hepatic and glial cell adhesion molecule; minus strand). Cytogenetic location: 11q24.2.
Variant type: single nucleotide variant.
Coding change: c.285T>G on transcript NM_152722.5 (MANE Select); coding-DNA position 285, T replaced by G.
Protein change: p.Tyr95Ter; replaces tyrosine 95 with a stop codon.
Molecular consequence: nonsense.
Genome position (GRCh38, 1-based): chr11:124,924,870, A>C on the plus strand (T>G on the coding strand, the complement: HEPACAM is on the minus strand). VCF-style: chr11-124924870-A-C. GRCh37 (hg19) VCF-style: chr11-124794766-A-C.
Other names: short protein forms Y95*.
Identifiers: ClinVar variation 1335946 (VCV001335946.4), dbSNP rs2135400018, ClinGen allele CA383143384.